The following is an entry in ClinVar:

ClinVar aggregate classification (germline): Uncertain significance (1 of 4 stars; one submission).

Submission:

GeneDx
Classification: Uncertain significance. Last evaluated: 2026-03-27. Review status: criteria provided, single submitter. Criteria: GeneDx Variant Classification Process June 2021. Collection method: clinical testing. Allele origin: germline.
Comment: Not observed at significant frequency in large population cohorts (gnomAD); In silico analysis supports a deleterious effect on splicing; Has not been previously published as pathogenic or benign to our knowledge

NM_016038.4(SBDS):c.625-9A>G

Gene: SBDS (SBDS ribosome maturation factor; minus strand). Cytogenetic location: 7q11.21.
Variant type: single nucleotide variant.
Coding change: c.625-9A>G on transcript NM_016038.4 (MANE Select); 9 bases into the intron before coding-DNA position 625, A replaced by G.
Molecular consequence: intron variant.
Genome position (GRCh38, 1-based): chr7:66,988,508, T>C on the plus strand (A>G on the coding strand, the complement: SBDS is on the minus strand). VCF-style: chr7-66988508-T-C. GRCh37 (hg19) VCF-style: chr7-66453495-T-C.
Identifiers: ClinVar variation 4857152 (VCV004857152.1).